The following is an entry in ClinVar:

ClinVar aggregate classification (germline): Uncertain significance (1 of 4 stars; one submission).

Conditions:
Inborn genetic diseases. Identifiers: MedGen C0950123, MeSH D030342.

gnomAD v4.1: 3 of 1,614,070 alleles (0.00019%); highest among the groups gnomAD compares: East Asian, 0.0067%; no homozygotes.

Submission:

Ambry Genetics
Classification: Uncertain significance for Inborn genetic diseases. Last evaluated: 2022-11-04. Review status: criteria provided, single submitter. Criteria: Ambry Variant Classification Scheme 2023. Collection method: clinical testing. Allele origin: germline.
Comment: The p.L124V variant (also known as c.370C>G), located in coding exon 6 of the ERCC2 gene, results from a C to G substitution at nucleotide position 370. The leucine at codon 124 is replaced by valine, an amino acid with highly similar properties. This amino acid position is conserved. In addition, the in silico prediction for this alteration is inconclusive. Since supporting evidence is limited at this time, the clinical significance of this alteration remains unclear.

NM_000400.4(ERCC2):c.370C>G (p.Leu124Val)

Gene: ERCC2 (ERCC excision repair 2, TFIIH core complex helicase subunit; minus strand). Cytogenetic location: 19q13.32.
Variant type: single nucleotide variant.
Coding change: c.370C>G on transcript NM_000400.4 (MANE Select); coding-DNA position 370, C replaced by G.
Protein change: p.Leu124Val; replaces leucine 124 with valine.
Molecular consequence: missense variant.
Genome position (GRCh38, 1-based): chr19:45,365,149, G>C on the plus strand (C>G on the coding strand, the complement: ERCC2 is on the minus strand). VCF-style: chr19-45365149-G-C. GRCh37 (hg19) VCF-style: chr19-45868407-G-C.
Other names: c.298C>G, p.Leu100Val (NM_001130867.2); short protein forms L100V, L124V.
Identifiers: ClinVar variation 2447135 (VCV002447135.2), dbSNP rs1406240724, ClinGen allele CA406376279.